The following is an entry in ClinVar:

NM_001013838.3(CARMIL2):c.956G>T (p.Arg319Leu)

Gene: CARMIL2 (capping protein regulator and myosin 1 linker 2; plus strand). Cytogenetic location: 16q22.1.
Variant type: single nucleotide variant.
Coding change: c.956G>T on transcript NM_001013838.3 (MANE Select); coding-DNA position 956, G replaced by T.
Protein change: p.Arg319Leu; replaces arginine 319 with leucine.
Molecular consequence: missense variant.
Genome position (GRCh38, 1-based): chr16:67,647,764, G>T. VCF-style: chr16-67647764-G-T. GRCh37 (hg19) VCF-style: chr16-67681667-G-T.
Other names: c.956G>T, p.Arg319Leu (NM_001317026.3); short protein forms R319L.
Identifiers: ClinVar variation 1477224 (VCV001477224.8), dbSNP rs1270112047, ClinGen allele CA396333824.

ClinVar aggregate classification (germline): Uncertain significance (1 of 4 stars; one submission).

gnomAD v4.1: 3 of 1,497,528 alleles (0.0002%); highest among the groups gnomAD compares: South Asian, 0.0024%; no homozygotes.

Submission:

Labcorp Genetics (formerly Invitae), Labcorp
Classification: Uncertain significance. Last evaluated: 2022-02-05. Review status: criteria provided, single submitter. Criteria: Invitae Variant Classification Sherloc (09022015). Collection method: clinical testing. Allele origin: germline.
Comment: In summary, the available evidence is currently insufficient to determine the role of this variant in disease. Therefore, it has been classified as a Variant of Uncertain Significance. Algorithms developed to predict the effect of missense changes on protein structure and function are either unavailable or do not agree on the potential impact of this missense change (SIFT: "Deleterious"; PolyPhen-2: "Benign"; Align-GVGD: "Class C0"). This variant has not been reported in the literature in individuals affected with CARMIL2-related conditions. This variant is not present in population databases (gnomAD no frequency). This sequence change replaces arginine, which is basic and polar, with leucine, which is neutral and non-polar, at codon 319 of the CARMIL2 protein (p.Arg319Leu).